The following is an entry in ClinVar:

ClinVar aggregate classification (germline): Uncertain significance (1 of 4 stars; one submission).

Conditions:
Inborn genetic diseases. Identifiers: MedGen C0950123, MeSH D030342.

Allele frequency attached by ClinVar (database versions not stated): gnomAD exomes below 0.00001; TOPMed 0.00001.

Submission:

Ambry Genetics
Classification: Uncertain significance for Inborn genetic diseases. Last evaluated: 2016-08-19. Review status: criteria provided, single submitter. Criteria: Ambry Variant Classification Scheme 2023. Collection method: clinical testing. Allele origin: germline.
Comment: The p.D275G variant (also known as c.824A>G), located in coding exon 8 of the PNKP gene, results from an A to G substitution at nucleotide position 824. The aspartic acid at codon 275 is replaced by glycine, an amino acid with similar properties. This variant was not reported in population based cohorts in the following databases: Database of Single Nucleotide Polymorphisms (dbSNP), NHLBI Exome Sequencing Project (ESP), and 1000 Genomes Project. In the ESP, this variant was not observed in 6503 samples (13006 alleles) with coverage at this position. This amino acid position is not well conserved in available vertebrate species. In addition, this alteration is predicted to be tolerated by in silico analysis. Since supporting evidence is limited at this time, the clinical significance of this variant remains unclear.

NM_007254.4(PNKP):c.824A>G (p.Asp275Gly)

Gene: PNKP (polynucleotide kinase 3'-phosphatase; minus strand). Cytogenetic location: 19q13.33.
Variant type: single nucleotide variant.
Coding change: c.824A>G on transcript NM_007254.4 (MANE Select); coding-DNA position 824, A replaced by G.
Protein change: p.Asp275Gly; replaces aspartic acid 275 with glycine.
Molecular consequence: missense variant.
Genome position (GRCh38, 1-based): chr19:49,862,731, T>C on the plus strand (A>G on the coding strand, the complement: PNKP is on the minus strand). VCF-style: chr19-49862731-T-C. GRCh37 (hg19) VCF-style: chr19-50365988-T-C.
Other names: short protein forms D275G.
Identifiers: ClinVar variation 588170 (VCV000588170.5), dbSNP rs1470797052, ClinGen allele CA406882442.